The following is an entry in ClinVar:

NM_000548.5(TSC2):c.1443+4C>A

Gene: TSC2 (TSC complex subunit 2; plus strand). Cytogenetic location: 16p13.3.
Variant type: single nucleotide variant.
Coding change: c.1443+4C>A on transcript NM_000548.5 (MANE Select); 4 bases into the intron after coding-DNA position 1443, C replaced by A.
Molecular consequence: intron variant.
Genome position (GRCh38, 1-based): chr16:2,063,057, C>A. VCF-style: chr16-2063057-C-A. GRCh37 (hg19) VCF-style: chr16-2113058-C-A.
Other names: c.1443+4C>A (NM_000548.3, NM_001114382.3, NM_021055.3 and 4 more transcripts); c.1332+4C>A (NM_001318827.2); c.843+4C>A (NM_001318831.2); c.1296+4C>A (NM_001318829.2); c.1476+4C>A (NM_001318832.2).
Identifiers: ClinVar variation 1612155 (VCV001612155.10), dbSNP rs45517172, ClinGen allele CA2573151637.
Genomic context (GRCh38, chr16:2,063,057, plus strand): 5'-ATCAAGGTGCTGGACGTGCTGTCCTTTGTGCTGCTCATCAACAGGCAGTTCTATGAGGTG[C>A]GTGTCCAGGCGGCCGCAGCTGGGGGCTCAGGGCTATTTCTCCGTGGGCGGGCTGTCTCTG-3'

ClinVar aggregate classification (germline): Conflicting classifications of pathogenicity. Review status: criteria provided, conflicting classifications (1 of 4 stars). 3 submissions from 3 submitters: Uncertain significance (1); Likely benign (2). Last evaluated 2025-05-14.

Conditions:
Tuberous sclerosis 2 (TSC2). Identifiers: Orphanet 805, MedGen C1860707, MONDO:0013199, OMIM 613254.
Hereditary cancer-predisposing syndrome. Also called: Neoplastic Syndromes, Hereditary; Hereditary neoplastic syndrome; Tumor predisposition; Hereditary Cancer Syndrome. Identifiers: Orphanet 140162, MedGen C0027672, MeSH D009386, MONDO:0015356.

Submissions (3):

Myriad Genetics, Inc.
Classification: Likely benign for Tuberous sclerosis 2. Last evaluated: 2025-05-14. Review status: criteria provided, single submitter. Criteria: Myriad Autosomal Dominant, Autosomal Recessive and X-Linked Classification Criteria (2023). Collection method: clinical testing. Allele origin: unknown.
Comment: This variant is considered likely benign. This variant is intronic and is not expected to impact mRNA splicing.

Ambry Genetics
Classification: Uncertain significance for Hereditary cancer-predisposing syndrome. Last evaluated: 2023-08-19. Review status: criteria provided, single submitter. Criteria: Ambry Variant Classification Scheme 2023. Collection method: clinical testing. Allele origin: germline.
Comment: The c.1443+4C>A intronic variant results from a C to A substitution 4 nucleotides after coding exon 13 in the TSC2 gene. This nucleotide position is poorly conserved in available vertebrate species. In silico splice site analysis predicts that this alteration will not have any significant effect on splicing. Since supporting evidence is limited at this time, the clinical significance of this alteration remains unclear.

Labcorp Genetics (formerly Invitae), Labcorp
Classification: Likely benign for Tuberous sclerosis 2. Last evaluated: 2023-07-10. Review status: criteria provided, single submitter. Criteria: Invitae Variant Classification Sherloc (09022015). Collection method: clinical testing. Allele origin: germline.